The following is an entry in ClinVar:

ClinVar aggregate classification (germline): Likely pathogenic. Review status: criteria provided, multiple submitters, no conflicts (2 of 4 stars). 2 submissions from 2 submitters: Likely pathogenic (2). Last evaluated 2024-10-18.

Conditions:
Cardiovascular phenotype. Identifiers: MedGen CN230736.
Autosomal recessive limb-girdle muscular dystrophy type 2J (LGMDR10). Also called: Limb-girdle muscular dystrophy, type 2J; MUSCULAR DYSTROPHY, LIMB-GIRDLE, AUTOSOMAL RECESSIVE 10. Identifiers: Orphanet 140922, MedGen C1837342, MONDO:0012127, OMIM 608807.
Dilated cardiomyopathy 1G (CMD1G). Identifiers: Orphanet 154, MedGen C1858763, MONDO:0011400, OMIM 604145.

Submissions (2):

Labcorp Genetics (formerly Invitae), Labcorp
Classification: Likely pathogenic for Dilated cardiomyopathy 1G; Autosomal recessive limb-girdle muscular dystrophy type 2J. Last evaluated: 2024-10-18. Review status: criteria provided, single submitter. Criteria: Invitae Variant Classification Sherloc (09022015). Collection method: clinical testing. Allele origin: germline.
Comment: This sequence change creates a premature translational stop signal (p.Ser14513Metfs*56) in the TTN gene. While this is not anticipated to result in nonsense mediated decay, it is expected to create a truncated TTN protein. This variant is not present in population databases (gnomAD no frequency). This variant has not been reported in the literature in individuals affected with TTN-related conditions. ClinVar contains an entry for this variant (Variation ID: 1776886). This variant is located in the I band of TTN (PMID: 25589632). Truncating variants in this region have been reported in individuals affected with autosomal recessive centronuclear myopathy (PMID: 23975875, internal data). Truncating variants in this region have also been identified in individuals affected with autosomal dominant dilated cardiomyopathy and/or cardio-related conditions (PMID: 27869827, 32964742, internal data). In summary, the currently available evidence indicates that the variant is pathogenic, but additional data are needed to prove that conclusively. Therefore, this variant has been classified as Likely Pathogenic.

Ambry Genetics
Classification: Likely pathogenic for Cardiovascular phenotype. Last evaluated: 2021-06-05. Review status: criteria provided, single submitter. Criteria: Ambry Variant Classification Scheme 2023. Collection method: clinical testing. Allele origin: germline.
Comment: The c.16343delG variant, located in coding exon 63 of the TTN gene, results from a deletion of one nucleotide at nucleotide position 16343, causing a translational frameshift with a predicted alternate stop codon (p.S5448Mfs*56). This exon is located in the I-band region of the N2-B isoform of the titin protein and is constitutively expressed in TTN transcripts (percent spliced in or PSI 100%). This alteration is expected to result in loss of function by premature protein truncation or nonsense-mediated mRNA decay. While truncating variants in TTN are present in 1-3% of the general population, truncating variants in the A-band are the most common cause of dilated cardiomyopathy (DCM) (Herman DS et al. N. Engl. J. Med., 2012 Feb;366:619-28; Roberts AM et al. Sci Transl Med, 2015 Jan;7:270ra6). TTN truncating variants encoded in constitutive exons (PSI >90%) have been found to be significantly associated with DCM regardless of their position in titin (Schafer S et al. Nat. Genet., 2017 01;49:46-53). As such, this alteration is classified as likely pathogenic.

Literature cited by the submitters: PubMed 25589632 (cited by Labcorp Genetics (formerly Invitae), Labcorp); PubMed 23975875 (cited by Labcorp Genetics (formerly Invitae), Labcorp); PubMed 27869827 (cited by Labcorp Genetics (formerly Invitae), Labcorp); PubMed 32964742 (cited by Labcorp Genetics (formerly Invitae), Labcorp).

NM_001267550.2(TTN):c.43538del (p.Ser14513fs)

Gene: TTN (titin; minus strand). Cytogenetic location: 2q31.2.
Variant type: Deletion.
Coding change: c.43538del on transcript NM_001267550.2 (MANE Select); coding-DNA position 43538, one base deleted (G; older notation c.43538delG).
Protein change: p.Ser14513fs; shifts the reading frame from serine 14513.
Molecular consequence: frameshift variant.
Genome position (GRCh38, 1-based): chr2:178,632,356, C deleted on the plus strand (G on the coding strand, the reverse complement: TTN is on the minus strand). VCF-style (leftmost placement, unchanged base first): chr2-178632355-AC-A. GRCh37 (hg19) VCF-style: chr2-179497082-AC-A.
Other names: c.38615del, p.Ser12872fs (NM_001256850.1); c.16343del, p.Ser5448fs (NM_003319.4); c.35834del, p.Ser11945fs (NM_133378.4); c.16718del, p.Ser5573fs (NM_133432.3); c.16919del, p.Ser5640fs (NM_133437.4); c.16343delG (NM_003319.4); short protein forms S12872fs, S14513fs, S11945fs, S5448fs, S5573fs, S5640fs.
Identifiers: ClinVar variation 1776886 (VCV001776886.7), dbSNP rs2471459148, ClinGen allele CA2580065118.